The following is an entry in ClinVar:

GRCh37/hg19 21q11.2-21.3(chr21:15520684-30322198)x3

Genes: ADAMTS1 (ADAM metallopeptidase with thrombospondin type 1 motif 1; minus strand), ADAMTS5 (ADAM metallopeptidase with thrombospondin type 1 motif 5; minus strand), APP (amyloid beta precursor protein; minus strand), ATP5PF (ATP synthase peripheral stalk subunit F6; minus strand), BTG3 (BTG anti-proliferation factor 3; minus strand) and 21 more. Cytogenetic location: 21q11.2-21.3.
Variant type: copy number gain.
Change: copy number 3 (three copies instead of two) of chr21:15,520,684-30,322,198 (14.80 Mb, GRCh37 coordinates, 1-based), cytogenetic band 21q11.2-21.3.
Identifiers: ClinVar variation 4682978 (VCV004682978.1).

ClinVar aggregate classification (germline): Pathogenic (1 of 4 stars; one submission).

Submission:

Quest Diagnostics Nichols Institute San Juan Capistrano
Classification: Pathogenic. Last evaluated: 2024-07-09. Review status: criteria provided, single submitter. Criteria: ACMG/ClinGen CNV Guidelines, 2019. Collection method: clinical testing. Allele origin: unknown.
Comment: Heterozygous duplications of 21q21.3 involving APP have been associated with autosomal dominant inherited early-onset Alzheimer disease (ADEOAD; OMIM 104300; CCID:006677; ISCA-46757; Grangeon 2023, Hooli 2012, McNaughton 2012, Wallon 2012). Individuals with similar duplications showed variable phenotypic presentation, even within families (Grangeon 2023, McNaughton 2012). Two similar overlapping duplications of this locus have been identified in affected individuals (Capkova 2014). There are no similar copy number gains of this region in the general populations of the Database of Genomic Variants. Therefore, based on current medical literature and gene content, this copy number variant (CNV) is classified as pathogenic. References: Capkova et al., Biomed Pap Med Fac Univ Palacky Olomouc Czech Repub. 2014 Jun;158(2):321-5., PMID: 24145769 Grangeon et al., Alzheimers Res Ther. 2023 May 11;15(1):93. PMID: 37170141 Hooli et al., Neurology. 2012 Apr 17;78(16):1250-7. PMID: 22491860 McNaughton et al., Neurobiol Aging. 2012 Feb;33(2):426.e13-21. PMID: 21193246 Wallon et al., J Alzheimers Dis. 2012;30(4):847-56. PMID: 22475797